The following is an entry in ClinVar:

ClinVar aggregate classification (germline): Uncertain significance (1 of 4 stars; one submission).

Allele frequency attached by ClinVar (database versions not stated): gnomAD exomes below 0.00001.
gnomAD v4.1: 1 of 1,612,128 alleles (0.000062%); highest among the groups gnomAD compares: Non-Finnish European, 0.000085%; no homozygotes.

Submission:

Labcorp Genetics (formerly Invitae), Labcorp
Classification: Uncertain significance. Last evaluated: 2022-06-16. Review status: criteria provided, single submitter. Criteria: Invitae Variant Classification Sherloc (09022015). Collection method: clinical testing. Allele origin: germline.
Comment: In summary, the available evidence is currently insufficient to determine the role of this variant in disease. Therefore, it has been classified as a Variant of Uncertain Significance. This variant has not been reported in the literature in individuals affected with POLR3F-related conditions. This variant is not present in population databases (gnomAD no frequency). This sequence change affects codon 111 of the POLR3F mRNA. It is a 'silent' change, meaning that it does not change the encoded amino acid sequence of the POLR3F protein.

NM_006466.4(POLR3F):c.456C>G (p.Leu152=)

Gene: POLR3F (RNA polymerase III subunit F; plus strand). Cytogenetic location: 20p11.23.
Variant type: single nucleotide variant.
Coding change: c.456C>G on transcript NM_006466.4 (MANE Select); coding-DNA position 456, C replaced by G.
Protein change: p.Leu152=; no amino-acid change (leucine 152 retained).
Molecular consequence: synonymous variant. On other transcripts: non-coding transcript variant (1), intron variant (1).
Genome position (GRCh38, 1-based): chr20:18,480,064, C>G. VCF-style: chr20-18480064-C-G. GRCh37 (hg19) VCF-style: chr20-18460708-C-G.
Other names: c.333C>G, p.Leu111= (NM_001282526.2); c.430-338C>G (NM_001410821.1).
Identifiers: ClinVar variation 2007481 (VCV002007481.4), dbSNP rs2517425258, ClinGen allele CA509828165.